The following is an entry in ClinVar:

ClinVar aggregate classification (germline): Uncertain significance (1 of 4 stars; one submission).

Conditions:
Familial cancer of breast. Also called: hereditary breast carcinoma; BREAST CANCER, FAMILIAL; Hereditary breast cancer. Identifiers: Orphanet 227535, MedGen C0346153, MONDO:0016419, OMIM 114480. Disease mechanism: loss of function.

Submission:

Labcorp Genetics (formerly Invitae), Labcorp
Classification: Uncertain significance for Familial cancer of breast. Last evaluated: 2018-05-10. Review status: criteria provided, single submitter. Criteria: Invitae Variant Classification Sherloc (09022015). Collection method: clinical testing. Allele origin: germline.
Comment: This sequence change replaces aspartic acid with alanine at codon 595 of the PALB2 protein (p.Asp595Ala). The aspartic acid residue is weakly conserved and there is a moderate physicochemical difference between aspartic acid and alanine. This variant is not present in population databases (ExAC no frequency). In summary, the available evidence is currently insufficient to determine the role of this variant in disease. Therefore, it has been classified as a Variant of Uncertain Significance. Algorithms developed to predict the effect of missense changes on protein structure and function (SIFT, PolyPhen-2, Align-GVGD) all suggest that this variant is likely to be tolerated, but these predictions have not been confirmed by published functional studies and their clinical significance is uncertain. This variant has not been reported in the literature in individuals with PALB2-related disease.

NM_024675.4(PALB2):c.1784_1785delinsCG (p.Asp595Ala)

Gene: PALB2 (partner and localizer of BRCA2; minus strand). Cytogenetic location: 16p12.2.
Variant type: Indel.
Coding change: c.1784_1785delinsCG on transcript NM_024675.4 (MANE Select); coding-DNA positions 1784 to 1785, AT replaced by CG.
Protein change: p.Asp595Ala; replaces aspartic acid 595 with alanine.
Molecular consequence: missense variant.
Genome position (GRCh38, 1-based): chr16:23,630,369-23,630,370, AT replaced by CG on the plus strand (AT replaced by CG on the coding strand, the reverse complement: PALB2 is on the minus strand). VCF-style: chr16-23630369-AT-CG. GRCh37 (hg19) VCF-style: chr16-23641690-AT-CG.
Other names: c.1784_1785delATinsCG (NM_024675.3); short protein forms D595A.
Identifiers: ClinVar variation 577482 (VCV000577482.8), dbSNP rs1567218820, ClinGen allele CA891844521.